The following is an entry in ClinVar:

NM_001372051.1(CASP8):c.1264A>C (p.Ile422Leu)

Gene: CASP8 (caspase 8; plus strand). Cytogenetic location: 2q33.1.
Variant type: single nucleotide variant.
Coding change: c.1264A>C on transcript NM_001372051.1 (MANE Select); coding-DNA position 1264, A replaced by C.
Protein change: p.Ile422Leu; replaces isoleucine 422 with leucine.
Molecular consequence: missense variant. On other transcripts: non-coding transcript variant (22).
Genome position (GRCh38, 1-based): chr2:201,285,277, A>C. VCF-style: chr2-201285277-A-C. GRCh37 (hg19) VCF-style: chr2-202150000-A-C.
Other names: c.1219A>C, p.Ile407Leu (NM_001080124.2, NM_001400658.1, NM_001400659.1 and 5 more transcripts); c.1441A>C, p.Ile481Leu (NM_001080125.2); c.1315A>C, p.Ile439Leu (NM_001228.5); c.1396A>C, p.Ile466Leu (NM_001400642.1); c.1297A>C, p.Ile433Leu (NM_001400645.1); c.1264A>C, p.Ile422Leu (NM_001400648.1, NM_001400651.1, NM_001400653.1 and 5 more transcripts); c.1195A>C, p.Ile399Leu (NM_001400664.1); c.1189A>C, p.Ile397Leu (NM_001400665.1); and 7 more; short protein forms I319L, I353L, I407L, I208L, I433L, I217L, I223L, I273L.
Identifiers: ClinVar variation 2002530 (VCV002002530.4), dbSNP rs1477247624, ClinGen allele CA350302630.

ClinVar aggregate classification (germline): Uncertain significance (1 of 4 stars; one submission).

Conditions:
Autoimmune lymphoproliferative syndrome type 2B. Also called: AUTOIMMUNE LYMPHOPROLIFERATIVE SYNDROME, TYPE IIB. Identifiers: Orphanet 275517, MedGen C1846545, MONDO:0011804, OMIM 607271.

Allele frequency attached by ClinVar (database versions not stated): gnomAD exomes below 0.00001.
gnomAD v4.1: 2 of 1,614,160 alleles (0.00012%); highest among the groups gnomAD compares: Non-Finnish European, 0.00017%; no homozygotes.

Submission:

Labcorp Genetics (formerly Invitae), Labcorp
Classification: Uncertain significance for Autoimmune lymphoproliferative syndrome type 2B. Last evaluated: 2022-06-05. Review status: criteria provided, single submitter. Criteria: Invitae Variant Classification Sherloc (09022015). Collection method: clinical testing. Allele origin: germline.
Comment: Algorithms developed to predict the effect of missense changes on protein structure and function are either unavailable or do not agree on the potential impact of this missense change (SIFT: "Deleterious"; PolyPhen-2: "Probably Damaging"; Align-GVGD: "Class C0"). This variant has not been reported in the literature in individuals affected with CASP8-related conditions. This variant is present in population databases (no rsID available, gnomAD 0.0009%). This sequence change replaces isoleucine, which is neutral and non-polar, with leucine, which is neutral and non-polar, at codon 439 of the CASP8 protein (p.Ile439Leu). In summary, the available evidence is currently insufficient to determine the role of this variant in disease. Therefore, it has been classified as a Variant of Uncertain Significance.